The following is an entry in ClinVar:

ClinVar aggregate classification (germline): Likely pathogenic (1 of 4 stars; one submission).

Conditions:
Mucopolysaccharidosis type 1. Also called: IDUA deficiency; MPS I; Mucopolysaccharidosis Type I. Identifiers: Orphanet 579, MedGen C0023786, MONDO:0001586.

Submission:

Labcorp Genetics (formerly Invitae), Labcorp
Classification: Likely pathogenic for Mucopolysaccharidosis type 1. Last evaluated: 2021-11-05. Review status: criteria provided, single submitter. Criteria: Invitae Variant Classification Sherloc (09022015). Collection method: clinical testing. Allele origin: germline.
Comment: In summary, the currently available evidence indicates that the variant is pathogenic, but additional data are needed to prove that conclusively. Therefore, this variant has been classified as Likely Pathogenic. This variant disrupts the p.Pro533 amino acid residue in IDUA. Other variant(s) that disrupt this residue have been determined to be pathogenic (PMID: 1301941, 10911525, 16435195, 21521498, 23786846, 24036510, 24368159). This suggests that this residue is clinically significant, and that variants that disrupt this residue are likely to be disease-causing. Advanced modeling of protein sequence and biophysical properties (such as structural, functional, and spatial information, amino acid conservation, physicochemical variation, residue mobility, and thermodynamic stability) performed at Invitae indicates that this missense variant is expected to disrupt IDUA protein function. This variant has not been reported in the literature in individuals affected with IDUA-related conditions. This variant is not present in population databases (gnomAD no frequency). This sequence change replaces proline, which is neutral and non-polar, with threonine, which is neutral and polar, at codon 533 of the IDUA protein (p.Pro533Thr).

Literature cited by the submitters: PubMed 1301941; PubMed 10911525; PubMed 16435195; PubMed 21521498; PubMed 23786846; PubMed 24036510; PubMed 24368159.

NM_000203.5(IDUA):c.1597C>A (p.Pro533Thr)

Gene: IDUA (alpha-L-iduronidase; plus strand). Cytogenetic location: 4p16.3.
Variant type: single nucleotide variant.
Coding change: c.1597C>A on transcript NM_000203.5 (MANE Select); coding-DNA position 1597, C replaced by A.
Protein change: p.Pro533Thr; replaces proline 533 with threonine.
Molecular consequence: missense variant. On other transcripts: non-coding transcript variant (1).
Genome position (GRCh38, 1-based): chr4:1,003,417, C>A. VCF-style: chr4-1003417-C-A. GRCh37 (hg19) VCF-style: chr4-997205-C-A.
Other names: c.1201C>A, p.Pro401Thr (NM_001363576.1); short protein forms P533T, P401T.
Identifiers: ClinVar variation 1480630 (VCV001480630.6), dbSNP rs374779600, ClinGen allele CA355965027.